The following is an entry in ClinVar:

ClinVar aggregate classification (germline): Uncertain significance (1 of 4 stars; one submission).

Conditions:
Atypical hemolytic-uremic syndrome. Identifiers: Orphanet 2134, MedGen C2931788, MONDO:0016244.
Basal laminar drusen. Also called: DRUSEN OF BRUCH MEMBRANE; DRUSEN, CUTICULAR; DRUSEN, EARLY ADULT-ONSET, GROUPED. Identifiers: Orphanet 75376, MedGen C0730295, MONDO:0007472, OMIM 126700.
Factor H deficiency (CFHD). Also called: COMPLEMENT FACTOR H DEFICIENCY; CFH DEFICIENCY. Identifiers: Orphanet 200421, MedGen C0398777, MONDO:0012350, OMIM 609814.
Age related macular degeneration 4. Identifiers: MedGen C1853147, MONDO:0012540, OMIM 610698.

gnomAD v4.1: 1 of 1,614,090 alleles (0.000062%); highest among the groups gnomAD compares: Non-Finnish European, 0.000085%; no homozygotes.

Submission:

Genomenon, Inc
Classification: Uncertain significance for Basal laminar drusen; Age related macular degeneration 4; Atypical hemolytic-uremic syndrome; Factor H deficiency. Last evaluated: 2025-10-02. Review status: criteria provided, single submitter. Criteria: Genomenon Sequence Variant Interpretation Standards - Updated. Collection method: curation. Allele origin: germline. Affected: no.
Comment: CFH p.Leu1223Gln (c.3668T>A) is a missense variant that changes the amino acid at residue 1223 from Leucine to Glutamine. This variant has been reported in the published literature (PMID:35925583;36036675). It is absent or not present at a significant frequency in gnomAD. In conclusion, we classify CFH p.Leu1223Gln (c.3668T>A) as a variant of uncertain significance.

Literature cited by the submitters: PubMed 35925583; PubMed 36036675.

NM_000186.4(CFH):c.3668T>A (p.Leu1223Gln)

Gene: CFH (complement factor H; plus strand). Cytogenetic location: 1q31.3.
Variant type: single nucleotide variant.
Coding change: c.3668T>A on transcript NM_000186.4 (MANE Select); coding-DNA position 3668, T replaced by A.
Protein change: p.Leu1223Gln; replaces leucine 1223 with glutamine.
Molecular consequence: missense variant.
Genome position (GRCh38, 1-based): chr1:196,747,285, T>A. VCF-style: chr1-196747285-T-A. GRCh37 (hg19) VCF-style: chr1-196716415-T-A.
Other names: short protein forms L1223Q.
Identifiers: ClinVar variation 4291642 (VCV004291642.1).
Genomic context (GRCh38, chr1:196,747,285, plus strand): 5'-GGGGATATCGTCTTTCATCACGTTCTCACACATTGCGAACAACATGTTGGGATGGGAAAC[T>A]GGAGTATCCAACTTGTGCAAAAAGATAGAATCAATCATAAAGTGCACACCTTTATTCAGA-3'
Protein context (NP_000177.2, residues 1213-1231): TLRTTCWDGK[Leu1223Gln]EYPTCAKR